The following is an entry in ClinVar:

NM_024818.6(UBA5):c.325G>A (p.Glu109Lys)

Genes: NPHP3-ACAD11 (NPHP3-ACAD11 readthrough (NMD candidate); minus strand), UBA5 (ubiquitin like modifier activating enzyme 5; plus strand). Cytogenetic location: 3q22.1.
Variant type: single nucleotide variant.
Coding change: c.325G>A on transcript NM_024818.6 (MANE Select); coding-DNA position 325, G replaced by A.
Protein change: p.Glu109Lys; replaces glutamic acid 109 with lysine.
Molecular consequence: missense variant. On other transcripts: 5 prime UTR variant (1).
Genome position (GRCh38, 1-based): chr3:132,668,845, G>A. VCF-style: chr3-132668845-G-A. GRCh37 (hg19) VCF-style: chr3-132387689-G-A.
Other names: c.157G>A, p.Glu53Lys (NM_001320210.2, NM_198329.4); c.55G>A, p.Glu19Lys (NM_001321238.2); c.-12G>A (NM_001321239.1); short protein forms E109K, E19K, E53K.
Identifiers: ClinVar variation 3976581 (VCV003976581.2).

ClinVar aggregate classification (germline): Uncertain significance. Review status: criteria provided, multiple submitters, no conflicts (2 of 4 stars). 2 submissions from 2 submitters: Uncertain significance (2). Last evaluated 2026-01-26.

Conditions:
Inborn genetic diseases. Identifiers: MedGen C0950123, MeSH D030342.
Developmental and epileptic encephalopathy, 44 (DEE44). Also called: Epileptic encephalopathy, early infantile, 44. Identifiers: MedGen C4310700, MONDO:0014933, OMIM 617132.

Submissions (2):

3billion
Classification: Uncertain significance for Developmental and epileptic encephalopathy, 44. Last evaluated: 2026-01-26. Review status: criteria provided, single submitter. Criteria: ACMG Guidelines, 2015. Collection method: clinical testing. Allele origin: germline. Affected: yes.
Comment: The variant is observed at an extremely low frequency in the gnomAD v4.1.0 dataset (total allele frequency: <0.001%). Predicted Consequence/Location: Missense variant In silico tool predictions suggest damaging effect of the variant on gene or gene product [3Cnet: 0.96 (> 0.75, sensitivity 0.96 and precision 0.92)]. The variant has been reported as of uncertain significance (ClinVar ID: VCV003976581). Therefore, this variant is classified as VUS according to the recommendation of ACMG/AMP guideline.

Ambry Genetics
Classification: Uncertain significance for Inborn genetic diseases. Last evaluated: 2025-03-26. Review status: criteria provided, single submitter. Criteria: Ambry Variant Classification Scheme 2023. Collection method: clinical testing. Allele origin: germline.